The following is an entry in ClinVar:

NM_001365536.1(SCN9A):c.5664A>G (p.Gln1888=)

Genes: SCN1A-AS1 (SCN1A and SCN9A antisense RNA 1; plus strand), SCN9A (sodium voltage-gated channel alpha subunit 9; minus strand). Cytogenetic location: 2q24.3.
Variant type: single nucleotide variant.
Coding change: c.5664A>G on transcript NM_001365536.1 (MANE Select); coding-DNA position 5664, A replaced by G.
Protein change: p.Gln1888=; no amino-acid change (glutamine 1888 retained).
Molecular consequence: synonymous variant.
Genome position (GRCh38, 1-based): chr2:166,198,975, T>C on the plus strand (A>G on the coding strand, the complement: SCN9A is on the minus strand). VCF-style: chr2-166198975-T-C. GRCh37 (hg19) VCF-style: chr2-167055485-T-C.
Other names: c.5631A>G, p.Gln1877= (NM_002977.4).
Identifiers: ClinVar variation 698653 (VCV000698653.13), dbSNP rs367719041, ClinGen allele CA1943641.

ClinVar aggregate classification (germline): Likely benign. Review status: criteria provided, multiple submitters, no conflicts (2 of 4 stars). 3 submissions from 3 submitters: Likely benign (3). Last evaluated 2026-06-16.

Conditions:
Neuropathy, hereditary sensory and autonomic, type 2A (HSAN2A). Also called: WNK1-Related HSAN2 (HSAN2A); ACROOSTEOLYSIS, GIACCAI TYPE; ACROOSTEOLYSIS, NEUROGENIC; MORVAN DISEASE; NEUROPATHY, CONGENITAL SENSORY; NEUROPATHY, HEREDITARY SENSORY RADICULAR, AUTOSOMAL RECESSIVE. Identifiers: Orphanet 970, MedGen C2752089, MONDO:0024309, OMIM 201300.
Generalized epilepsy with febrile seizures plus, type 7 (GEFSP7). Also called: GEFS+, TYPE 7. Identifiers: Orphanet 36387, MedGen C2751778, MONDO:0013470, OMIM 613863.
SCN9A-related disorder. Also called: SCN9A-related disorders; SCN9A-related condition.

Allele frequency attached by ClinVar (database versions not stated): gnomAD exomes 0.00004; ExAC 0.00005; gnomAD 0.00011 and 0.00012; ESP Exome Variant Server 0.00015; TOPMed 0.00018.
gnomAD v4.1: 37 of 1,613,926 alleles (0.0023%); highest among the groups gnomAD compares: African/African-American, 0.047%; no homozygotes.

Submissions (3):

PreventionGenetics, part of Exact Sciences
Classification: Likely benign for SCN9A-related condition. Last evaluated: 2026-06-16. Review status: criteria provided, single submitter. Criteria: ACMG Guidelines, 2015. Collection method: clinical testing. Allele origin: germline.
Comment: This variant is classified as likely benign based on ACMG/AMP sequence variant interpretation guidelines (Richards et al. 2015 PMID: 25741868, with internal and published modifications).

Women's Health and Genetics/Laboratory Corporation of America, LabCorp
Classification: Likely benign. Last evaluated: 2026-04-22. Review status: criteria provided, single submitter. Criteria: LabCorp Variant Classification Summary - May 2015. Collection method: clinical testing. Allele origin: germline.

Labcorp Genetics (formerly Invitae), Labcorp
Classification: Likely benign for Neuropathy, hereditary sensory and autonomic, type 2A; Generalized epilepsy with febrile seizures plus, type 7. Last evaluated: 2025-04-17. Review status: criteria provided, single submitter. Criteria: Invitae Variant Classification Sherloc (09022015). Collection method: clinical testing. Allele origin: germline.